The following is an entry in ClinVar:

ClinVar aggregate classification (germline): Uncertain significance (1 of 4 stars; one submission).

Conditions:
GNS-related disorder. Also called: GNS-related condition.

Submission:

PreventionGenetics, part of Exact Sciences
Classification: Uncertain significance for GNS-related condition. Last evaluated: 2026-08-09. Review status: criteria provided, single submitter. Criteria: ACMG Guidelines, 2015. Collection method: clinical testing. Allele origin: germline.
Comment: The GNS c.1495C>A variant is predicted to result in the amino acid substitution p.Leu499Ile. To our knowledge, this variant has not been reported in the literature or in a large population database (gnomAD), indicating this variant is rare. At this time, the clinical significance of this variant is uncertain due to the absence of conclusive functional and genetic evidence.

NM_002076.4(GNS):c.1495C>A (p.Leu499Ile)

Gene: GNS (glucosamine (N-acetyl)-6-sulfatase; minus strand). Cytogenetic location: 12q14.3.
Variant type: single nucleotide variant.
Coding change: c.1495C>A on transcript NM_002076.4 (MANE Select); coding-DNA position 1495, C replaced by A.
Protein change: p.Leu499Ile; replaces leucine 499 with isoleucine.
Molecular consequence: missense variant.
Genome position (GRCh38, 1-based): chr12:64,720,107, G>T on the plus strand (C>A on the coding strand, the complement: GNS is on the minus strand). VCF-style: chr12-64720107-G-T. GRCh37 (hg19) VCF-style: chr12-65113887-G-T.
Other names: short protein forms L499I.
Identifiers: ClinVar variation 4992667 (VCV004992667.1).